The following is an entry in ClinVar:

NM_001127222.2(CACNA1A):c.6697C>T (p.Pro2233Ser)

Gene: CACNA1A (calcium voltage-gated channel subunit alpha1 A; minus strand). Cytogenetic location: 19p13.13.
Variant type: single nucleotide variant.
Coding change: c.6697C>T on transcript NM_001127222.2 (MANE Select); coding-DNA position 6697, C replaced by T.
Protein change: p.Pro2233Ser; replaces proline 2233 with serine.
Molecular consequence: missense variant.
Genome position (GRCh38, 1-based): chr19:13,208,839, G>A on the plus strand (C>T on the coding strand, the complement: CACNA1A is on the minus strand). VCF-style: chr19-13208839-G-A. GRCh37 (hg19) VCF-style: chr19-13319653-G-A.
Other names: c.6715C>T, p.Pro2239Ser (NM_000068.4, NM_023035.3); c.6700C>T, p.Pro2234Ser (NM_001127221.2); c.6706C>T, p.Pro2236Ser (NM_001174080.2); short protein forms P2233S, P2234S, P2236S, P2239S.
Identifiers: ClinVar variation 2636532 (VCV002636532.5), dbSNP rs2512515692, ClinGen allele CA404329652.

ClinVar aggregate classification (germline): Uncertain significance. Review status: criteria provided, multiple submitters, no conflicts (2 of 4 stars). 3 submissions from 3 submitters: Uncertain significance (3). Last evaluated 2025-12-31.

Conditions:
CACNA1A-related disorder. Also called: CACNA1A-related condition.
Inborn genetic diseases. Identifiers: MedGen C0950123, MeSH D030342.
Episodic ataxia type 2 (EA2). Also called: ACETAZOLAMIDE-RESPONSIVE HEREDITARY PAROXYSMAL CEREBELLAR ATAXIA; ATAXIA, EPISODIC, WITH NYSTAGMUS; ATAXIA, FAMILIAL PAROXYSMAL; CEREBELLAR ATAXIA, PAROXYSMAL, ACETAZOLAMIDE-RESPONSIVE; CEREBELLOPATHY, HEREDITARY PAROXYSMAL; EPISODIC ATAXIA, NYSTAGMUS-ASSOCIATED. Identifiers: Orphanet 97, MedGen C1720416, MONDO:0007163, OMIM 108500.
Developmental and epileptic encephalopathy, 42 (DEE42A). Also called: DEVELOPMENTAL AND EPILEPTIC ENCEPHALOPATHY 42A; EPILEPTIC ENCEPHALOPATHY, EARLY INFANTILE, 42A; Epileptic encephalopathy, early infantile, 42. Identifiers: MedGen C4310716, MONDO:0014917, OMIM 617106.

Allele frequency attached by ClinVar (database versions not stated): gnomAD exomes below 0.00001.
gnomAD v4.1: 1 of 1,540,078 alleles (0.000065%); highest among the groups gnomAD compares: African/African-American, 0.0014%; no homozygotes.

Submissions (3):

Ambry Genetics
Classification: Uncertain significance for Inborn genetic diseases. Last evaluated: 2025-12-31. Review status: criteria provided, single submitter. Criteria: Ambry Variant Classification Scheme 2023. Collection method: clinical testing. Allele origin: germline.

Labcorp Genetics (formerly Invitae), Labcorp
Classification: Uncertain significance for Developmental and epileptic encephalopathy, 42; Episodic ataxia type 2. Last evaluated: 2023-08-14. Review status: criteria provided, single submitter. Criteria: Invitae Variant Classification Sherloc (09022015). Collection method: clinical testing. Allele origin: germline.
Comment: This sequence change replaces proline, which is neutral and non-polar, with serine, which is neutral and polar, at codon 2234 of the CACNA1A protein (p.Pro2234Ser). This variant is not present in population databases (gnomAD no frequency). This variant has not been reported in the literature in individuals affected with CACNA1A-related conditions. Advanced modeling of protein sequence and biophysical properties (such as structural, functional, and spatial information, amino acid conservation, physicochemical variation, residue mobility, and thermodynamic stability) performed at Invitae indicates that this missense variant is not expected to disrupt CACNA1A protein function. In summary, the available evidence is currently insufficient to determine the role of this variant in disease. Therefore, it has been classified as a Variant of Uncertain Significance.

PreventionGenetics, part of Exact Sciences
Classification: Uncertain significance for CACNA1A-related condition. Last evaluated: 2022-11-07. Review status: criteria provided, single submitter. Criteria: ACMG Guidelines, 2015. Collection method: clinical testing. Allele origin: germline.
Comment: The CACNA1A c.6697C>T variant is predicted to result in the amino acid substitution p.Pro2233Ser. To our knowledge, this variant has not been reported in the literature or in a large population database, indicating this variant is rare. At this time, the clinical significance of this variant is uncertain due to the absence of conclusive functional and genetic evidence.